The following is an entry in ClinVar:

ClinVar aggregate classification (germline): Uncertain significance (1 of 4 stars; one submission).

Allele frequency attached by ClinVar (database versions not stated): gnomAD exomes 0.00001.
gnomAD v4.1: 5 of 1,614,222 alleles (0.00031%); highest among the groups gnomAD compares: Non-Finnish European, 0.00042%; no homozygotes.

Submission:

Labcorp Genetics (formerly Invitae), Labcorp
Classification: Uncertain significance. Last evaluated: 2022-11-25. Review status: criteria provided, single submitter. Criteria: Invitae Variant Classification Sherloc (09022015). Collection method: clinical testing. Allele origin: germline.
Comment: This sequence change replaces serine, which is neutral and polar, with asparagine, which is neutral and polar, at codon 1556 of the SZT2 protein (p.Ser1556Asn). This variant is not present in population databases (gnomAD no frequency). This variant has not been reported in the literature in individuals affected with SZT2-related conditions. Advanced modeling of protein sequence and biophysical properties (such as structural, functional, and spatial information, amino acid conservation, physicochemical variation, residue mobility, and thermodynamic stability) performed at Invitae indicates that this missense variant is not expected to disrupt SZT2 protein function. In summary, the available evidence is currently insufficient to determine the role of this variant in disease. Therefore, it has been classified as a Variant of Uncertain Significance.

NM_001365999.1(SZT2):c.4838G>A (p.Ser1613Asn)

Gene: SZT2 (SZT2 subunit of KICSTOR complex; plus strand). Cytogenetic location: 1p34.2.
Variant type: single nucleotide variant.
Coding change: c.4838G>A on transcript NM_001365999.1 (MANE Select); coding-DNA position 4838, G replaced by A.
Protein change: p.Ser1613Asn; replaces serine 1613 with asparagine.
Molecular consequence: missense variant.
Genome position (GRCh38, 1-based): chr1:43,431,012, G>A. VCF-style: chr1-43431012-G-A. GRCh37 (hg19) VCF-style: chr1-43896683-G-A.
Other names: c.4667G>A, p.Ser1556Asn (NM_015284.4); short protein forms S1613N, S1556N.
Identifiers: ClinVar variation 2816614 (VCV002816614.2), dbSNP rs2545827987, ClinGen allele CA340022831.